The following is an entry in ClinVar:

NM_005559.4(LAMA1):c.3048C>A (p.Cys1016Ter)

Gene: LAMA1 (laminin subunit alpha 1; minus strand). Cytogenetic location: 18p11.31.
Variant type: single nucleotide variant.
Coding change: c.3048C>A on transcript NM_005559.4 (MANE Select); coding-DNA position 3048, C replaced by A.
Protein change: p.Cys1016Ter; replaces cysteine 1016 with a stop codon.
Molecular consequence: nonsense.
Genome position (GRCh38, 1-based): chr18:7,015,800, G>T on the plus strand (C>A on the coding strand, the complement: LAMA1 is on the minus strand). VCF-style: chr18-7015800-G-T. GRCh37 (hg19) VCF-style: chr18-7015799-G-T.
Other names: c.3048C>A (NM_005559.3); short protein forms C1016*.
Identifiers: ClinVar variation 2009692 (VCV002009692.5), dbSNP rs754303766, ClinGen allele CA295779663.

ClinVar aggregate classification (germline): Conflicting classifications of pathogenicity. Review status: criteria provided, conflicting classifications (1 of 4 stars). 2 submissions from 2 submitters: Pathogenic (1); Uncertain significance (1). Last evaluated 2024-11-05.

gnomAD v4.1: 2 of 1,614,052 alleles (0.00012%); highest among the groups gnomAD compares: Admixed American, 0.0033%; no homozygotes.

Submissions (2):

Labcorp Genetics (formerly Invitae), Labcorp
Classification: Pathogenic. Last evaluated: 2024-11-05. Review status: criteria provided, single submitter. Criteria: Invitae Variant Classification Sherloc (09022015). Collection method: clinical testing. Allele origin: germline.
Comment: This sequence change creates a premature translational stop signal (p.Cys1016*) in the LAMA1 gene. It is expected to result in an absent or disrupted protein product. Loss-of-function variants in LAMA1 are known to be pathogenic (PMID: 25105227, 26932191). This variant is present in population databases (no rsID available, gnomAD 0.006%). This variant has not been reported in the literature in individuals affected with LAMA1-related conditions. ClinVar contains an entry for this variant (Variation ID: 2009692). For these reasons, this variant has been classified as Pathogenic.

GeneDx
Classification: Uncertain significance. Last evaluated: 2024-07-29. Review status: criteria provided, single submitter. Criteria: GeneDx Variant Classification Process June 2021. Collection method: clinical testing. Allele origin: germline. Affected: yes.
Comment: Nonsense variant predicted to result in protein truncation or nonsense mediated decay in a gene for which loss of function is a known mechanism of disease; Has not been previously published as pathogenic or benign to our knowledge

Literature cited by the submitters: PubMed 25105227 (cited by Labcorp Genetics (formerly Invitae), Labcorp); PubMed 26932191 (cited by Labcorp Genetics (formerly Invitae), Labcorp).